The following is an entry in ClinVar:

ClinVar aggregate classification (germline): Likely benign (1 of 4 stars; one submission).

Submission:

GeneDx
Classification: Likely benign. Last evaluated: 2017-08-28. Review status: criteria provided, single submitter. Criteria: GeneDx Variant Classification (06012015). Collection method: clinical testing. Allele origin: germline. Affected: yes.
Comment: This variant is considered likely benign or benign based on one or more of the following criteria: it is a conservative change, it occurs at a poorly conserved position in the protein, it is predicted to be benign by multiple in silico algorithms, and/or has population frequency not consistent with disease.

NM_139058.3(ARX):c.165C>G (p.Thr55=)

Gene: ARX (aristaless related homeobox; minus strand). Cytogenetic location: Xp21.3.
Variant type: single nucleotide variant.
Coding change: c.165C>G on transcript NM_139058.3 (MANE Select); coding-DNA position 165, C replaced by G.
Protein change: p.Thr55=; no amino-acid change (threonine 55 retained).
Molecular consequence: synonymous variant.
Genome position (GRCh38, 1-based): chrX:25,015,573, G>C on the plus strand (C>G on the coding strand, the complement: ARX is on the minus strand). VCF-style: chrX-25015573-G-C. GRCh37 (hg19) VCF-style: chrX-25033690-G-C.
Identifiers: ClinVar variation 511650 (VCV000511650.1), dbSNP rs1556058023, ClinGen allele CA515749807.